The following is an entry in ClinVar:

NM_022051.3(EGLN1):c.740C>T (p.Ser247Leu)

Gene: EGLN1 (egl-9 family hypoxia inducible factor 1; minus strand). Cytogenetic location: 1q42.2.
Variant type: single nucleotide variant.
Coding change: c.740C>T on transcript NM_022051.3 (MANE Select); coding-DNA position 740, C replaced by T.
Protein change: p.Ser247Leu; replaces serine 247 with leucine.
Molecular consequence: missense variant.
Genome position (GRCh38, 1-based): chr1:231,421,149, G>A on the plus strand (C>T on the coding strand, the complement: EGLN1 is on the minus strand). VCF-style: chr1-231421149-G-A. GRCh37 (hg19) VCF-style: chr1-231556895-G-A.
Other names: c.740C>T, p.Ser247Leu (NM_001377260.1, NM_001377261.1); short protein forms S247L.
Identifiers: ClinVar variation 3227743 (VCV003227743.1), dbSNP rs1354633033, ClinGen allele CA345235493.

ClinVar aggregate classification (germline): Uncertain significance (1 of 4 stars; one submission).

Allele frequency attached by ClinVar (database versions not stated): gnomAD 0.00001.
gnomAD v4.1: 2 of 1,614,050 alleles (0.00012%); highest among the groups gnomAD compares: Non-Finnish European, 0.00017%; no homozygotes.

Submission:

Ambry Genetics
Classification: Uncertain significance. Last evaluated: 2023-12-15. Review status: criteria provided, single submitter. Criteria: Ambry Variant Classification Scheme 2023. Collection method: clinical testing. Allele origin: germline.
Comment: The p.S247L variant (also known as c.740C>T), located in coding exon 1 of the EGLN1 gene, results from a C to T substitution at nucleotide position 740. The serine at codon 247 is replaced by leucine, an amino acid with dissimilar properties. This amino acid position is conserved. In addition, this alteration is predicted to be tolerated by in silico analysis. Since supporting evidence is limited at this time, the clinical significance of this alteration remains unclear.